The following is an entry in ClinVar:

NM_001365951.3(KIF1B):c.1594C>G (p.Pro532Ala)

Gene: KIF1B (kinesin family member 1B; plus strand). Cytogenetic location: 1p36.22.
Variant type: single nucleotide variant.
Coding change: c.1594C>G on transcript NM_001365951.3 (MANE Select); coding-DNA position 1594, C replaced by G.
Protein change: p.Pro532Ala; replaces proline 532 with alanine.
Molecular consequence: missense variant.
Genome position (GRCh38, 1-based): chr1:10,295,089, C>G. VCF-style: chr1-10295089-C-G. GRCh37 (hg19) VCF-style: chr1-10355147-C-G.
Other names: c.1594C>G, p.Pro532Ala (NM_001365952.1); c.1456C>G, p.Pro486Ala (NM_001365953.1, NM_015074.3, NM_183416.4); short protein forms P486A, P532A.
Identifiers: ClinVar variation 476778 (VCV000476778.44), dbSNP rs201500946, ClinGen allele CA581032.

ClinVar aggregate classification (germline): Conflicting classifications of pathogenicity. Review status: criteria provided, conflicting classifications (1 of 4 stars). 10 submissions from 10 submitters: Uncertain significance (9); Likely benign (1). Last evaluated 2026-07-21.

Conditions:
Charcot-Marie-Tooth disease type 2. Also called: Charcot-Marie-Tooth type 2. Identifiers: Orphanet 64746, MedGen C0270914, MONDO:0018993.
Charcot-Marie-Tooth disease. Also called: Charcot-Marie-Tooth Hereditary Neuropathy; Charcot-Marie-Tooth Neuropathy. Identifiers: Orphanet 166, MedGen C0007959, MONDO:0015626.
KIF1B-related disorder. Also called: KIF1B-related condition.
Charcot-Marie-Tooth disease type 2A1. Also called: CHARCOT-MARIE-TOOTH DISEASE, AXONAL, TYPE 2A1; CHARCOT-MARIE-TOOTH DISEASE, AXONAL, AUTOSOMAL DOMINANT, TYPE 2A1; CHARCOT-MARIE-TOOTH DISEASE, NEURONAL, TYPE 2A1; CHARCOT-MARIE-TOOTH NEUROPATHY, TYPE 2A1; HEREDITARY MOTOR AND SENSORY NEUROPATHY IIA1. Identifiers: Orphanet 99946, MedGen C1861678, MONDO:0007308, OMIM 118210.
Neuroblastoma, susceptibility to, 1. Identifiers: MedGen C2749485, MONDO:0009741, OMIM 256700.

Allele frequency attached by ClinVar (database versions not stated): ESP Exome Variant Server 0.00008; gnomAD 0.00013; 1000 Genomes Project 30x 0.00016; 1000 Genomes Project 0.00020; gnomAD exomes 0.00023; TOPMed 0.00025.
gnomAD v4.1: 362 of 1,602,556 alleles (0.023%); highest among the groups gnomAD compares: Admixed American, 0.033%; no homozygotes.

Submissions (10):

PreventionGenetics, part of Exact Sciences
Classification: Uncertain significance for KIF1B-related condition. Last evaluated: 2026-07-21. Review status: criteria provided, single submitter. Criteria: ACMG Guidelines, 2015. Collection method: clinical testing. Allele origin: germline.
Comment: The KIF1B c.1456C>G variant is predicted to result in the amino acid substitution p.Pro486Ala. This variant has been reported as a variant of uncertain significance in two individuals from a large cohort study of Charcot-Marie-Tooth disease; however, additional evidence was not provided. (Suppl. Table 2, Volodarsky et al. 2021. PubMed ID: 32376792). This variant is reported in 0.028% of alleles in individuals of Latino descent in gnomAD, which may be too common to be a primary cause of disease. This variant has conflicting interpretations in ClinVar ranging from likely benign to uncertain (Variation ID: 476778). Although we suspect that this variant may be benign, at this time, the clinical significance of this variant is uncertain due to the absence of conclusive functional and genetic evidence.

St. Jude Molecular Pathology, St. Jude Children's Research Hospital
Classification: Uncertain significance for Neuroblastoma, susceptibility to, 1. Last evaluated: 2026-02-20. Review status: criteria provided, single submitter. Criteria: St. Jude Assertion Criteria 2020. Collection method: clinical testing. Allele origin: germline.
Comment: The KIF1B c.1456C>G p.(Pro486Ala) missense change has a maximum subpopulation frequency of 0. 028% in gnomAD v2.1.1. The in silico tool REVEL predicts a deleterious effect on protein function, but to our knowledge this prediction has not been confirmed by functional studies. This variant has been reported in in dividuals with pheochromocytoma or paraganglioma (PMID: 28552549). In summary, the evidence currently available is insufficient to determine the clinical significance of this variant. It has therefore been classified as of uncertain significance.

Labcorp Genetics (formerly Invitae), Labcorp
Classification: Uncertain significance for Charcot-Marie-Tooth disease type 2. Last evaluated: 2026-01-31. Review status: criteria provided, single submitter. Criteria: Invitae Variant Classification Sherloc (09022015). Collection method: clinical testing. Allele origin: germline.
Comment: This sequence change replaces proline, which is neutral and non-polar, with alanine, which is neutral and non-polar, at codon 486 of the KIF1B protein (p.Pro486Ala). This variant is present in population databases (rs201500946, gnomAD 0.03%). This missense change has been observed in individual(s) with Charcot-Marie-Tooth disease (PMID: 32376792). ClinVar contains an entry for this variant (Variation ID: 476778). Invitae Evidence Modeling of protein sequence and biophysical properties (such as structural, functional, and spatial information, amino acid conservation, physicochemical variation, residue mobility, and thermodynamic stability) has been performed for this missense variant. However, the output from this modeling did not meet the statistical confidence thresholds required to predict the impact of this variant on KIF1B protein function. In summary, the available evidence is currently insufficient to determine the role of this variant in disease. Therefore, it has been classified as a Variant of Uncertain Significance.

Dasa
Classification: Uncertain significance. Last evaluated: 2026-01-12. Review status: criteria provided, single submitter. Criteria: DASA Assertion Criteria. Collection method: clinical testing. Allele origin: germline.
Comment: NM_001365951.3(KIF1B):c.1594C>G (p.Pro532Ala) is a missense variant that results in the substitution of proline with alanine. This variant is rare in population databases. Computational prediction algorithms are consistent with a deleterious effect. The currently available literature and clinical evidence are not sufficient to establish a definitive association between this variant and the reported condition. Therefore, this variant is classified as a variant of uncertain significance.

Women's Health and Genetics/Laboratory Corporation of America, LabCorp
Classification: Uncertain significance. Last evaluated: 2025-01-07. Review status: criteria provided, single submitter. Criteria: LabCorp Variant Classification Summary - May 2015. Collection method: clinical testing. Allele origin: germline.
Comment: Variant summary: KIF1B c.1456C>G (p.Pro486Ala) results in a non-conservative amino acid change located in the Kinesin-associated domain (IPR032405) of the encoded protein sequence. Five of five in-silico tools predict a damaging effect of the variant on protein function. The variant allele was found at a frequency of 0.00023 in 1595604 control chromosomes (i.e. in 362 carriers) in the gnomAD database (v4.1 dataset). The occurrence in several carriers suggests that this variant is likely not associated with a high penetrance, severe, early onset disease phenotype in heterozygous state. The variant, c.1456C>G has been reported in the literature in 2 individuals affected with suspected Charcot-Marie-Tooth Disease (Volodarsky_2021), however no supportive evidence for causality was provided. This report does not provide unequivocal conclusions about association of the variant with Charcot-Marie-Tooth disease type 2A1. To our knowledge, no experimental evidence demonstrating an impact on protein function has been reported. The following publication have been ascertained in the context of this evaluation (PMID: 32376792). ClinVar contains an entry for this variant (Variation ID: 476778). Based on the evidence outlined above, the variant was classified as uncertain significance.

Blueprint Genetics
Classification: Uncertain significance. Last evaluated: 2024-11-26. Review status: criteria provided, single submitter. Criteria: ACMG Guidelines, 2015. Collection method: clinical testing. Allele origin: germline.

CeGaT Center for Human Genetics Tuebingen
Classification: Uncertain significance. Last evaluated: 2023-07-01. Review status: criteria provided, single submitter. Criteria: CeGaT Center For Human Genetics Tuebingen Variant Classification Criteria Version 2. Collection method: clinical testing. Allele origin: germline. Affected: yes. Observed: 1 variant allele.
Comment: KIF1B: PP3

Ambry Genetics
Classification: Likely benign. Last evaluated: 2020-06-25. Review status: criteria provided, single submitter. Criteria: Ambry Variant Classification Scheme 2023. Collection method: clinical testing. Allele origin: germline.

Revvity Omics, Revvity
Classification: Uncertain significance for Charcot-Marie-Tooth disease type 2A1. Last evaluated: 2019-07-23. Review status: criteria provided, single submitter. Criteria: ACMG Guidelines, 2015. Collection method: clinical testing. Allele origin: germline.

Molecular Genetics Laboratory, London Health Sciences Centre
Classification: Uncertain significance for Charcot-Marie-Tooth disease. Review status: criteria provided, single submitter. Criteria: ACMG Guidelines, 2015. Collection method: clinical testing. Allele origin: germline. Affected: yes.

Literature cited by the submitters: PubMed 32376792 (cited by Labcorp Genetics (formerly Invitae), Labcorp and Women's Health and Genetics/Laboratory Corporation of America, LabCorp).